The following is an entry in ClinVar:

NM_001378030.1(CCDC78):c.377C>T (p.Ala126Val)

Gene: CCDC78 (coiled-coil domain containing 78; minus strand). Cytogenetic location: 16p13.3.
Variant type: single nucleotide variant.
Coding change: c.377C>T on transcript NM_001378030.1 (MANE Select); coding-DNA position 377, C replaced by T.
Protein change: p.Ala126Val; replaces alanine 126 with valine.
Molecular consequence: missense variant. On other transcripts: non-coding transcript variant (5), intron variant (1).
Genome position (GRCh38, 1-based): chr16:725,471, G>A on the plus strand (C>T on the coding strand, the complement: CCDC78 is on the minus strand). VCF-style: chr16-725471-G-A. GRCh37 (hg19) VCF-style: chr16-775471-G-A.
Other names: c.377C>T (NM_001031737.2); c.377C>T, p.Ala126Val (NM_001031737.3, NM_001378031.1); c.-18-178C>T (NM_001378033.1); short protein forms A126V.
Identifiers: ClinVar variation 2067795 (VCV002067795.5), dbSNP rs759890639, ClinGen allele CA7789633.

ClinVar aggregate classification (germline): Uncertain significance. Review status: criteria provided, multiple submitters, no conflicts (2 of 4 stars). 2 submissions from 2 submitters: Uncertain significance (2). Last evaluated 2025-02-07.

Conditions:
Congenital myopathy with internal nuclei and atypical cores. Also called: Myopathy, centronuclear, 4. Identifiers: Orphanet 319160, MedGen C4707232, MONDO:0013890, OMIM 614807.
Inborn genetic diseases. Identifiers: MedGen C0950123, MeSH D030342.

Allele frequency attached by ClinVar (database versions not stated): ExAC 0.00003.
gnomAD v4.1: 19 of 1,612,652 alleles (0.0012%); highest among the groups gnomAD compares: South Asian, 0.0022%; no homozygotes.

Submissions (2):

Ambry Genetics
Classification: Uncertain significance for Inborn genetic diseases. Last evaluated: 2025-02-07. Review status: criteria provided, single submitter. Criteria: Ambry Variant Classification Scheme 2023. Collection method: clinical testing. Allele origin: germline.

Labcorp Genetics (formerly Invitae), Labcorp
Classification: Uncertain significance for Congenital myopathy with internal nuclei and atypical cores. Last evaluated: 2022-07-03. Review status: criteria provided, single submitter. Criteria: Invitae Variant Classification Sherloc (09022015). Collection method: clinical testing. Allele origin: germline.
Comment: This sequence change replaces alanine, which is neutral and non-polar, with valine, which is neutral and non-polar, at codon 126 of the CCDC78 protein (p.Ala126Val). This variant is present in population databases (rs759890639, gnomAD 0.01%). In summary, the available evidence is currently insufficient to determine the role of this variant in disease. Therefore, it has been classified as a Variant of Uncertain Significance. Algorithms developed to predict the effect of missense changes on protein structure and function output the following: SIFT: "Tolerated"; PolyPhen-2: "Benign"; Align-GVGD: "Class C0". The valine amino acid residue is found in multiple mammalian species, which suggests that this missense change does not adversely affect protein function. This variant has not been reported in the literature in individuals affected with CCDC78-related conditions.